The following is an entry in ClinVar:

ClinVar aggregate classification (germline): Uncertain significance (1 of 4 stars; one submission).

Submission:

Quest Diagnostics Nichols Institute San Juan Capistrano
Classification: Uncertain significance. Last evaluated: 2022-12-07. Review status: criteria provided, single submitter. Criteria: Quest Diagnostics criteria. Collection method: clinical testing. Allele origin: unknown.
Comment: This variant has not been reported in the published literature. It also has not been reported in large, multi-ethnic general populations. Analysis of this variant using bioinformatics tools for the prediction of the effect of amino acid changes on protein structure and function yielded predictions that this variant is damaging. Based on the available information, we are unable to determine the clinical significance of this variant.

NM_000277.3(PAH):c.374T>C (p.Ile125Thr)

Gene: PAH (phenylalanine hydroxylase; minus strand). Cytogenetic location: 12q23.2.
Variant type: single nucleotide variant.
Coding change: c.374T>C on transcript NM_000277.3 (MANE Select); coding-DNA position 374, T replaced by C.
Protein change: p.Ile125Thr; replaces isoleucine 125 with threonine.
Molecular consequence: missense variant.
Genome position (GRCh38, 1-based): chr12:102,877,529, A>G on the plus strand (T>C on the coding strand, the complement: PAH is on the minus strand). VCF-style: chr12-102877529-A-G. GRCh37 (hg19) VCF-style: chr12-103271307-A-G.
Other names: c.374T>C, p.Ile125Thr (NM_001354304.2); short protein forms I125T.
Identifiers: ClinVar variation 2682033 (VCV002682033.1), dbSNP rs2499496055, ClinGen allele CA386302236.
Genomic context (GRCh38, chr12:102,877,529, plus strand): 5'-TCAGCATCCAGTTCCGCTCCATAGCTGAGAATCTGATTGGCAAATCTGTCCAGCTCTTGA[A>G]TGGTTCTTGGGAACCAGGGCACTGAAACACAGAGAAGGCAACGTCCTGAGTACAGATTGG-3'
Protein context (NP_000268.1, residues 115-135): KDTVPWFPRT[Ile125Thr]QELDRFANQI